The following is an entry in ClinVar:

NM_001354604.2(MITF):c.1489G>C (p.Asp497His)

Gene: MITF (melanocyte inducing transcription factor; plus strand). Cytogenetic location: 3p13.
Variant type: single nucleotide variant.
Coding change: c.1489G>C on transcript NM_001354604.2 (MANE Select); coding-DNA position 1489, G replaced by C.
Protein change: p.Asp497His; replaces aspartic acid 497 with histidine.
Molecular consequence: missense variant.
Genome position (GRCh38, 1-based): chr3:69,965,156, G>C. VCF-style: chr3-69965156-G-C. GRCh37 (hg19) VCF-style: chr3-70014307-G-C.
Other names: c.1168G>C, p.Asp390His (NM_000248.4); c.1315G>C, p.Asp439His (NM_001184967.2, NM_001354608.2); c.1486G>C, p.Asp496His (NM_001354605.2); c.1468G>C, p.Asp490His (NM_001354606.2, NM_006722.3); c.1420G>C, p.Asp474His (NM_001354607.2); c.1150G>C, p.Asp384His (NM_198158.3); c.1471G>C, p.Asp491His (NM_198159.3); c.1423G>C, p.Asp475His (NM_198177.3); and 1 more; short protein forms D328H, D384H, D390H, D439H, D474H, D475H, D490H, D491H.
Identifiers: ClinVar variation 3751883 (VCV003751883.2).

ClinVar aggregate classification (germline): Uncertain significance (1 of 4 stars; one submission).

Conditions:
Tietz syndrome (TADS). Also called: HYPOPIGMENTATION/DEAFNESS OF TIETZ; TIETZ ALBINISM-DEAFNESS SYNDROME; ALBINISM-DEAFNESS OF TIETZ. Identifiers: Orphanet 42665, MedGen C0391816, MONDO:0007077, OMIM 103500.
Waardenburg syndrome type 2A (WS2A). Also called: WAARDENBURG SYNDROME WITHOUT DYSTOPIA CANTHORUM. Identifiers: Orphanet 3440, MedGen C1860339, MONDO:0008671, OMIM 193510.
Melanoma, cutaneous malignant, susceptibility to, 8. Also called: MELANOMA AND RENAL CELL CARCINOMA, SUSCEPTIBILITY TO; Cutaneous malignant melanoma 8. Identifiers: Orphanet 293822, MedGen C3152204, MONDO:0013759, OMIM 614456.

Submission:

Labcorp Genetics (formerly Invitae), Labcorp
Classification: Uncertain significance for Melanoma, cutaneous malignant, susceptibility to, 8; Waardenburg syndrome type 2A; Tietz syndrome. Last evaluated: 2025-01-14. Review status: criteria provided, single submitter. Criteria: Invitae Variant Classification Sherloc (09022015). Collection method: clinical testing. Allele origin: germline.
Comment: This sequence change replaces aspartic acid, which is acidic and polar, with histidine, which is basic and polar, at codon 390 of the MITF protein (p.Asp390His). This variant is not present in population databases (gnomAD no frequency). This variant has not been reported in the literature in individuals affected with MITF-related conditions. Invitae Evidence Modeling of protein sequence and biophysical properties (such as structural, functional, and spatial information, amino acid conservation, physicochemical variation, residue mobility, and thermodynamic stability) indicates that this missense variant is expected to disrupt MITF protein function with a positive predictive value of 80%. In summary, the available evidence is currently insufficient to determine the role of this variant in disease. Therefore, it has been classified as a Variant of Uncertain Significance.